The following is an entry in ClinVar:

NM_000245.4(MET):c.3257G>C (p.Arg1086Thr)

Gene: MET (MET proto-oncogene, receptor tyrosine kinase; plus strand). Cytogenetic location: 7q31.2.
Variant type: single nucleotide variant.
Coding change: c.3257G>C on transcript NM_000245.4 (MANE Select); coding-DNA position 3257, G replaced by C.
Protein change: p.Arg1086Thr; replaces arginine 1086 with threonine.
Molecular consequence: missense variant.
Genome position (GRCh38, 1-based): chr7:116,775,109, G>C. VCF-style: chr7-116775109-G-C. GRCh37 (hg19) VCF-style: chr7-116415163-G-C.
Other names: c.3311G>C, p.Arg1104Thr (NM_001127500.3); c.1967G>C, p.Arg656Thr (NM_001324402.2); short protein forms R656T, R1086T, R1104T.
Identifiers: ClinVar variation 4647720 (VCV004647720.2).

ClinVar aggregate classification (germline): Uncertain significance. Review status: criteria provided, multiple submitters, no conflicts (2 of 4 stars). 2 submissions from 2 submitters: Uncertain significance (2). Last evaluated 2025-10-14.

Conditions:
Renal cell carcinoma. Identifiers: Orphanet 217071, MedGen C0007134, MeSH D002292, MONDO:0005086, HP:0005584.
Hereditary cancer-predisposing syndrome. Also called: Neoplastic Syndromes, Hereditary; Tumor predisposition; Hereditary Cancer Syndrome; Hereditary neoplastic syndrome. Identifiers: Orphanet 140162, MedGen C0027672, MeSH D009386, MONDO:0015356.

Submissions (2):

Ambry Genetics
Classification: Uncertain significance for Hereditary cancer-predisposing syndrome. Last evaluated: 2025-10-14. Review status: criteria provided, single submitter. Criteria: Ambry Variant Classification Scheme 2023. Collection method: clinical testing. Allele origin: germline.
Comment: The p.R1104T variant (also known as c.3311G>C), located in coding exon 14 of the MET gene, results from a G to C substitution at nucleotide position 3311. The arginine at codon 1104 is replaced by threonine, an amino acid with similar properties. This amino acid position is conserved. In addition, this alteration is predicted to be deleterious by in silico analysis. Based on the available evidence, the clinical significance of this variant remains unclear.

Labcorp Genetics (formerly Invitae), Labcorp
Classification: Uncertain significance for Renal cell carcinoma. Last evaluated: 2025-06-22. Review status: criteria provided, single submitter. Criteria: Invitae Variant Classification Sherloc (09022015). Collection method: clinical testing. Allele origin: germline.
Comment: This sequence change replaces arginine, which is basic and polar, with threonine, which is neutral and polar, at codon 1104 of the MET protein (p.Arg1104Thr). This variant is not present in population databases (gnomAD no frequency). This variant has not been reported in the literature in individuals affected with MET-related conditions. An algorithm developed to predict the effect of missense changes on protein structure and function (PolyPhen-2) suggests that this variant is likely to be disruptive. In summary, the available evidence is currently insufficient to determine the role of this variant in disease. Therefore, it has been classified as a Variant of Uncertain Significance.